The following is an entry in ClinVar:

ClinVar aggregate classification (germline): Pathogenic (0 of 4 stars; one submission).

Conditions:
GNAL-related disorder. Also called: GNAL-related condition.

gnomAD v4.1: 3 of 1,586,640 alleles (0.00019%); highest among the groups gnomAD compares: Non-Finnish European, 0.00026%; no homozygotes.

Submission:

PreventionGenetics, part of Exact Sciences
Classification: Pathogenic for GNAL-related condition. Last evaluated: 2024-04-28. Review status: no assertion criteria provided. Collection method: clinical testing. Allele origin: germline.
Comment: The GNAL c.592C>T variant is predicted to result in premature protein termination (p.Arg198*). To our knowledge, this variant has not been reported in the literature or in a large population database, indicating this variant is rare. Nonsense variants in GNAL are expected to be pathogenic. This variant is interpreted as pathogenic.

NM_182978.4(GNAL):c.823C>T (p.Arg275Ter)

Gene: GNAL (G protein subunit alpha L; plus strand). Cytogenetic location: 18p11.21.
Variant type: single nucleotide variant.
Coding change: c.823C>T on transcript NM_182978.4 (MANE Select); coding-DNA position 823, C replaced by T.
Protein change: p.Arg275Ter; replaces arginine 275 with a stop codon.
Molecular consequence: nonsense. On other transcripts: 5 prime UTR variant (1).
Genome position (GRCh38, 1-based): chr18:11,864,578, C>T. VCF-style: chr18-11864578-C-T. GRCh37 (hg19) VCF-style: chr18-11864577-C-T.
Other names: c.592C>T, p.Arg198Ter (NM_001142339.3, NM_001261443.2, NM_001369387.1); c.-30C>T (NM_001261444.2); short protein forms R198*, R275*.
Identifiers: ClinVar variation 3348818 (VCV003348818.1).
Genomic context (GRCh38, chr18:11,864,578, plus strand): 5'-TCTTCTTGTTCCCAGGACCTCCTCAGATGCAGAGTTCTGACATCTGGGATTTTTGAGACA[C>T]GATTCCAAGTGGACAAAGTAAACTTCCAGTGAGTATGTTGTTAAGAGCTGCATGGCCCAG-3'